The following is an entry in ClinVar:

NM_000526.5(KRT14):c.1250G>C (p.Arg417Pro)

Gene: KRT14 (keratin 14; minus strand). Cytogenetic location: 17q21.2.
Variant type: single nucleotide variant.
Coding change: c.1250G>C on transcript NM_000526.5 (MANE Select); coding-DNA position 1250, G replaced by C.
Protein change: p.Arg417Pro; replaces arginine 417 with proline.
Molecular consequence: missense variant.
Genome position (GRCh38, 1-based): chr17:41,583,259, C>G on the plus strand (G>C on the coding strand, the complement: KRT14 is on the minus strand). VCF-style: chr17-41583259-C-G. GRCh37 (hg19) VCF-style: chr17-39739511-C-G.
Other names: short protein forms R417P.
Identifiers: ClinVar variation 66325 (VCV000066325.4), dbSNP rs61085704, ClinGen allele CA216868.

ClinVar aggregate classification (germline): Uncertain significance. Review status: criteria provided, single submitter (1 of 4 stars). 2 submissions from 2 submitters: Uncertain significance (1). 1 of the submissions does not count toward it. Last evaluated 2025-12-10.

Submissions (2):

Labcorp Genetics (formerly Invitae), Labcorp
Classification: Uncertain significance. Last evaluated: 2025-12-10. Review status: criteria provided, single submitter. Criteria: Invitae Variant Classification Sherloc (09022015). Collection method: clinical testing. Allele origin: germline.
Comment: This sequence change replaces arginine, which is basic and polar, with proline, which is neutral and non-polar, at codon 417 of the KRT14 protein (p.Arg417Pro). This variant is not present in population databases (gnomAD no frequency). This variant has not been reported in the literature in individuals affected with KRT14-related conditions. ClinVar contains an entry for this variant (Variation ID: 66325). Invitae Evidence Modeling of protein sequence and biophysical properties (such as structural, functional, and spatial information, amino acid conservation, physicochemical variation, residue mobility, and thermodynamic stability) has been performed for this missense variant. However, the output from this modeling did not meet the statistical confidence thresholds required to predict the impact of this variant on KRT14 protein function. In summary, the available evidence is currently insufficient to determine the role of this variant in disease. Therefore, it has been classified as a Variant of Uncertain Significance.

Epithelial Biology;  Institute of Medical Biology, Singapore
No classification provided. Review status: no classification provided. Collection method: not provided. Allele origin: not provided. Not counted in ClinVar's aggregate classification.